The following is an entry in ClinVar:

NM_033305.3(VPS13A):c.2456C>G (p.Ser819Ter)

Gene: VPS13A (vacuolar protein sorting 13 homolog A; plus strand). Cytogenetic location: 9q21.2.
Variant type: single nucleotide variant.
Coding change: c.2456C>G on transcript NM_033305.3 (MANE Select); coding-DNA position 2456, C replaced by G.
Protein change: p.Ser819Ter; replaces serine 819 with a stop codon.
Molecular consequence: nonsense.
Genome position (GRCh38, 1-based): chr9:77,273,308, C>G. VCF-style: chr9-77273308-C-G. GRCh37 (hg19) VCF-style: chr9-79888224-C-G.
Other names: c.2456C>G, p.Ser819Ter (NM_001018037.2, NM_001018038.3, NM_015186.4); short protein forms S819*.
Identifiers: ClinVar variation 947138 (VCV000947138.7), dbSNP rs762390488, ClinGen allele CA5091960.

ClinVar aggregate classification (germline): Pathogenic (1 of 4 stars; one submission).

Allele frequency attached by ClinVar (database versions not stated): gnomAD exomes below 0.00001; ExAC 0.00001.
gnomAD v4.1: 5 of 1,612,020 alleles (0.00031%); highest among the groups gnomAD compares: Non-Finnish European, 0.00042%; no homozygotes.

Submission:

Labcorp Genetics (formerly Invitae), Labcorp
Classification: Pathogenic. Last evaluated: 2021-05-26. Review status: criteria provided, single submitter. Criteria: Invitae Variant Classification Sherloc (09022015). Collection method: clinical testing. Allele origin: germline.
Comment: For these reasons, this variant has been classified as Pathogenic. Loss-of-function variants in VPS13A are known to be pathogenic (PMID: 12404112, 21598378). This variant has not been reported in the literature in individuals with VPS13A-related conditions. ClinVar contains an entry for this variant (Variation ID: 947138). This variant is present in population databases (rs762390488, ExAC 0.002%). This sequence change creates a premature translational stop signal (p.Ser819*) in the VPS13A gene. It is expected to result in an absent or disrupted protein product.

Literature cited by the submitters: PubMed 12404112; PubMed 21598378.